The following is an entry in ClinVar:

NM_032119.4(ADGRV1):c.13284T>C (p.Thr4428=)

Gene: ADGRV1 (adhesion G protein-coupled receptor V1; plus strand). Cytogenetic location: 5q14.3.
Variant type: single nucleotide variant.
Coding change: c.13284T>C on transcript NM_032119.4 (MANE Select); coding-DNA position 13284, T replaced by C.
Protein change: p.Thr4428=; no amino-acid change (threonine 4428 retained).
Molecular consequence: synonymous variant. On other transcripts: non-coding transcript variant (1).
Genome position (GRCh38, 1-based): chr5:90,783,176, T>C. VCF-style: chr5-90783176-T-C. GRCh37 (hg19) VCF-style: chr5-90078993-T-C.
Other names: c.13284T>C (NM_032119.3).
Identifiers: ClinVar variation 1129940 (VCV001129940.10), dbSNP rs778819067, ClinGen allele CA3341492.

ClinVar aggregate classification (germline): Likely benign. Review status: criteria provided, multiple submitters, no conflicts (2 of 4 stars). 2 submissions from 2 submitters: Likely benign (2). Last evaluated 2026-06-05.

Conditions:
ADGRV1-related disorder. Also called: ADGRV1-related condition; ADGRV1-related disorders.

Allele frequency attached by ClinVar (database versions not stated): gnomAD 0.00001; gnomAD exomes 0.00002; TOPMed 0.00002.
gnomAD v4.1: 32 of 1,613,592 alleles (0.002%); highest among the groups gnomAD compares: South Asian, 0.011%; no homozygotes.

Submissions (2):

PreventionGenetics, part of Exact Sciences
Classification: Likely benign for ADGRV1-related condition. Last evaluated: 2026-06-05. Review status: criteria provided, single submitter. Criteria: ACMG Guidelines, 2015. Collection method: clinical testing. Allele origin: germline.
Comment: This variant is classified as likely benign based on ACMG/AMP sequence variant interpretation guidelines (Richards et al. 2015 PMID: 25741868, with internal and published modifications).

Labcorp Genetics (formerly Invitae), Labcorp
Classification: Likely benign. Last evaluated: 2025-12-17. Review status: criteria provided, single submitter. Criteria: Invitae Variant Classification Sherloc (09022015). Collection method: clinical testing. Allele origin: germline.